The following is an entry in ClinVar:

ClinVar aggregate classification (germline): Uncertain significance (1 of 4 stars; one submission).

Submission:

Women's Health and Genetics/Laboratory Corporation of America, LabCorp
Classification: Uncertain significance. Last evaluated: 2024-07-29. Review status: criteria provided, single submitter. Criteria: LabCorp Variant Classification Summary - May 2015. Collection method: clinical testing. Allele origin: germline.
Comment: Variant summary: CFHR4 c.664A>C (p.Thr222Pro) results in a non-conservative amino acid change located in the Sushi/SCR/CCP domain (IPR000436) of the encoded protein sequence. Three of five in-silico tools predict a damaging effect of the variant on protein function. The variant was absent in 250546 control chromosomes. The available data on variant occurrences in the general population are insufficient to allow any conclusion about variant significance. To our knowledge, no occurrence of c.664A>C in individuals affected with Genetic Atypical Hemolytic Uremic Syndrome and no experimental evidence demonstrating its impact on protein function have been reported. No submitters have cited clinical-significance assessments for this variant to ClinVar. Based on the evidence outlined above, the variant was classified as uncertain significance.

NM_001201550.3(CFHR4):c.664A>C (p.Thr222Pro)

Gene: CFHR4 (complement factor H related 4; plus strand). Cytogenetic location: 1q31.3.
Variant type: single nucleotide variant.
Coding change: c.664A>C on transcript NM_001201550.3 (MANE Select); coding-DNA position 664, A replaced by C.
Protein change: p.Thr222Pro; replaces threonine 222 with proline.
Molecular consequence: missense variant. On other transcripts: intron variant (1).
Genome position (GRCh38, 1-based): chr1:196,907,363, A>C. VCF-style: chr1-196907363-A-C. GRCh37 (hg19) VCF-style: chr1-196876493-A-C.
Other names: c.661A>C, p.Thr221Pro (NM_001201551.2); c.256+4748A>C (NM_006684.5); short protein forms T221P, T222P.
Identifiers: ClinVar variation 3339267 (VCV003339267.1).